The following is an entry in ClinVar:

NM_006502.3(POLH):c.*3472A>G

Gene: POLH (DNA polymerase eta; plus strand). Cytogenetic location: 6p21.1.
Variant type: single nucleotide variant.
Coding change: c.*3472A>G on transcript NM_006502.3 (MANE Select); 3472 bases downstream of the stop codon, A replaced by G.
Molecular consequence: 3 prime UTR variant.
Genome position (GRCh38, 1-based): chr6:43,618,029, A>G. VCF-style: chr6-43618029-A-G. GRCh37 (hg19) VCF-style: chr6-43585766-A-G.
Other names: c.*3472A>G (NM_001291969.2); c.*4298A>G (NM_001291970.2).
Identifiers: ClinVar variation 909020 (VCV000909020.4), dbSNP rs146828890, ClinGen allele CA138308932.
Genomic context (GRCh38, chr6:43,618,029, plus strand): 5'-AAAAGATACTAATGACCAGGTGTGTAGAGGACATTTTCTTAAGCCCTTAAGTACAAATTT[A>G]AGAGGTAAGTGCTTCAGCCATTAGGGTTACTGGCTTGTTCATCTTTCCCACTGAGTGTAA-3'

ClinVar aggregate classification (germline): Benign (1 of 4 stars; one submission).

Conditions:
Xeroderma pigmentosum variant type. Also called: POLH-Related Xeroderma Pigmentosum; PHOTOSENSITIVITY WITH DEFECTIVE DNA SYNTHESIS; XERODERMA PIGMENTOSUM WITH NORMAL DNA REPAIR RATES. Identifiers: Orphanet 90342, MedGen C1848410, MONDO:0010214, OMIM 278750.

Allele frequency attached by ClinVar (database versions not stated): gnomAD 0.00043 and 0.00056; TOPMed 0.00045; 1000 Genomes Project 30x 0.00406; 1000 Genomes Project 0.00419.
gnomAD v4.1: 85 of 152,352 alleles (0.056%); highest among the groups gnomAD compares: East Asian, 1.6%; no homozygotes.

Submission:

Illumina Laboratory Services, Illumina
Classification: Benign for Xeroderma pigmentosum variant type. Last evaluated: 2018-01-12. Review status: criteria provided, single submitter. Criteria: ICSL Variant Classification Criteria 13 December 2019. Collection method: clinical testing. Allele origin: germline.
Comment: This variant was observed in the ICSL laboratory as part of a predisposition screen in an ostensibly healthy population. It had not been previously curated by ICSL or reported in the Human Gene Mutation Database (HGMD: prior to June 1st, 2018), and was therefore a candidate for classification through an automated scoring system. Utilizing variant allele frequency, disease prevalence and penetrance estimates, and inheritance mode, an automated score was calculated to assess if this variant is too frequent to cause the disease. Based on the score and internal cut-off values, a variant classified as benign is not then subjected to further curation. The score for this variant resulted in a classification of benign for this disease.